The following is an entry in ClinVar:

NM_006593.4(TBR1):c.73C>A (p.Pro25Thr)

Gene: TBR1 (T-box brain transcription factor 1; plus strand). Cytogenetic location: 2q24.2.
Variant type: single nucleotide variant.
Coding change: c.73C>A on transcript NM_006593.4 (MANE Select); coding-DNA position 73, C replaced by A.
Protein change: p.Pro25Thr; replaces proline 25 with threonine.
Molecular consequence: missense variant.
Genome position (GRCh38, 1-based): chr2:161,416,483, C>A. VCF-style: chr2-161416483-C-A. GRCh37 (hg19) VCF-style: chr2-162272994-C-A.
Other names: c.73C>A (NM_006593.2); short protein forms P25T.
Identifiers: ClinVar variation 1683641 (VCV001683641.3), dbSNP rs757176020, ClinGen allele CA349210481.

ClinVar aggregate classification (germline): Uncertain significance. Review status: criteria provided, multiple submitters, no conflicts (2 of 4 stars). 2 submissions from 2 submitters: Uncertain significance (2). Last evaluated 2025-02-03.

Conditions:
Inborn genetic diseases. Identifiers: MedGen C0950123, MeSH D030342.
Intellectual developmental disorder with autism and speech delay. Also called: Autism 5; AUTISM-RELATED SPEECH DELAY; AUTS5; PHRASE SPEECH DELAY, AUTISM-RELATED; Autism, susceptibility to, 5. Identifiers: MedGen C1853755, MONDO:0011627, OMIM 606053.

gnomAD v4.1: 1 of 1,613,978 alleles (0.000062%); highest among the groups gnomAD compares: Admixed American, 0.0017%; no homozygotes.

Submissions (2):

Ambry Genetics
Classification: Uncertain significance for Inborn genetic diseases. Last evaluated: 2025-02-03. Review status: criteria provided, single submitter. Criteria: Ambry Variant Classification Scheme 2023. Collection method: clinical testing. Allele origin: germline.

Laboratorio de Genetica e Diagnostico Molecular, Hospital Israelita Albert Einstein
Classification: Uncertain significance for Intellectual developmental disorder with autism and speech delay. Last evaluated: 2021-04-29. Review status: criteria provided, single submitter. Criteria: ACMG Guidelines, 2015. Collection method: clinical testing. Allele origin: germline. Affected: yes.
Comment: ACMG classification criteria: PM2, BP4